The following is an entry in ClinVar:

ClinVar aggregate classification (germline): Uncertain significance (1 of 4 stars; one submission).

Conditions:
Oligodontia-cancer predisposition syndrome. Also called: TOOTH AGENESIS-COLORECTAL CANCER SYNDROME. Identifiers: Orphanet 300576, MedGen C1837750, MONDO:0012075, OMIM 608615. Disease mechanism: loss of function.

Allele frequency attached by ClinVar (database versions not stated): TOPMed below 0.00001.

Submission:

Labcorp Genetics (formerly Invitae), Labcorp
Classification: Uncertain significance for Oligodontia-cancer predisposition syndrome. Last evaluated: 2021-02-24. Review status: criteria provided, single submitter. Criteria: Invitae Variant Classification Sherloc (09022015). Collection method: clinical testing. Allele origin: germline.
Comment: This sequence change replaces isoleucine with valine at codon 134 of the AXIN2 protein (p.Ile134Val). The isoleucine residue is highly conserved and there is a small physicochemical difference between isoleucine and valine. This variant is not present in population databases (ExAC no frequency). This variant has not been reported in the literature in individuals with AXIN2-related conditions. Algorithms developed to predict the effect of missense changes on protein structure and function (SIFT, PolyPhen-2, Align-GVGD) all suggest that this variant is likely to be disruptive, but these predictions have not been confirmed by published functional studies and their clinical significance is uncertain. In summary, the available evidence is currently insufficient to determine the role of this variant in disease. Therefore, it has been classified as a Variant of Uncertain Significance.

NM_004655.4(AXIN2):c.400A>G (p.Ile134Val)

Gene: AXIN2 (axin 2; minus strand). Cytogenetic location: 17q24.1.
Variant type: single nucleotide variant.
Coding change: c.400A>G on transcript NM_004655.4 (MANE Select); coding-DNA position 400, A replaced by G.
Protein change: p.Ile134Val; replaces isoleucine 134 with valine.
Molecular consequence: missense variant.
Genome position (GRCh38, 1-based): chr17:65,558,221, T>C on the plus strand (A>G on the coding strand, the complement: AXIN2 is on the minus strand). VCF-style: chr17-65558221-T-C. GRCh37 (hg19) VCF-style: chr17-63554339-T-C.
Other names: c.400A>G, p.Ile134Val (NM_001363813.1); short protein forms I134V.
Identifiers: ClinVar variation 1346646 (VCV001346646.8), dbSNP rs916243872, ClinGen allele CA293107209.